The following is an entry in ClinVar:

NM_017780.4(CHD7):c.7681G>A (p.Gly2561Arg)

Gene: CHD7 (chromodomain helicase DNA binding protein 7; plus strand). Cytogenetic location: 8q12.2.
Variant type: single nucleotide variant.
Coding change: c.7681G>A on transcript NM_017780.4 (MANE Select); coding-DNA position 7681, G replaced by A.
Protein change: p.Gly2561Arg; replaces glycine 2561 with arginine.
Molecular consequence: missense variant. On other transcripts: intron variant (1).
Genome position (GRCh38, 1-based): chr8:60,860,976, G>A. VCF-style: chr8-60860976-G-A. GRCh37 (hg19) VCF-style: chr8-61773535-G-A.
Other names: c.1717-1253G>A (NM_001316690.1); short protein forms G2561R.
Identifiers: ClinVar variation 1006056 (VCV001006056.25), dbSNP rs774255090, ClinGen allele CA4760864.

ClinVar aggregate classification (germline): Conflicting classifications of pathogenicity. Review status: criteria provided, conflicting classifications (1 of 4 stars). 4 submissions from 4 submitters: Uncertain significance (3); Likely benign (1). Last evaluated 2025-08-20.

Conditions:
Inborn genetic diseases. Identifiers: MedGen C0950123, MeSH D030342.
Hypogonadotropic hypogonadism 5 with or without anosmia (KAL5). Also called: HYPOGONADOTROPIC HYPOGONADISM 5 WITH ANOSMIA; HYPOGONADOTROPHIC HYPOGONADISM 5 WITHOUT ANOSMIA; CHD7-Related GnRH Deficiency (Kallmann Syndrome 5). Identifiers: Orphanet 478, MedGen C3552553, MONDO:0012880, OMIM 612370. Disease mechanism: loss of function.
CHARGE syndrome (CHARGE). Also called: Hittner Hirsch Kreh syndrome; Coloboma, heart anomaly, choanal atresia, retardation, genital and ear anomalies; CHARGE association; Hall-Hittner syndrome; CHARGE ASSOCIATION--COLOBOMA, HEART ANOMALY, CHOANAL ATRESIA, RETARDATION, GENITAL AND EAR ANOMALIES. Identifiers: Orphanet 138, MedGen C0265354, MONDO:0008965.

Allele frequency attached by ClinVar (database versions not stated): ExAC 0.00001; gnomAD 0.00001; TOPMed 0.00002; gnomAD exomes 0.00003.
gnomAD v4.1: 33 of 1,613,764 alleles (0.002%); highest among the groups gnomAD compares: Admixed American, 0.0033%; no homozygotes.

Submissions (4):

Labcorp Genetics (formerly Invitae), Labcorp
Classification: Likely benign for CHARGE syndrome. Last evaluated: 2025-08-20. Review status: criteria provided, single submitter. Criteria: Invitae Variant Classification Sherloc (09022015). Collection method: clinical testing. Allele origin: germline.

CeGaT Center for Human Genetics Tuebingen
Classification: Uncertain significance. Last evaluated: 2024-09-01. Review status: criteria provided, single submitter. Criteria: CeGaT Center For Human Genetics Tuebingen Variant Classification Criteria Version 2. Collection method: clinical testing. Allele origin: germline. Affected: yes. Observed: 1 variant allele.

Fulgent Genetics
Classification: Uncertain significance for CHD7-related CHARGE syndrome; Hypogonadotropic hypogonadism 5 with or without anosmia. Last evaluated: 2022-01-04. Review status: criteria provided, single submitter. Criteria: ACMG Guidelines, 2015. Collection method: clinical testing. Allele origin: unknown.

Ambry Genetics
Classification: Uncertain significance for Inborn genetic diseases. Last evaluated: 2017-09-28. Review status: criteria provided, single submitter. Criteria: Ambry Variant Classification Scheme 2023. Collection method: clinical testing. Allele origin: germline.
Comment: The p.G2561R variant (also known as c.7681G>A), located in coding exon 34 of the CHD7 gene, results from a G to A substitution at nucleotide position 7681. The glycine at codon 2561 is replaced by arginine, an amino acid with dissimilar properties. This amino acid position is well conserved in available vertebrate species. Using the BDGP and ESEfinder splice site prediction tools, this alteration is predicted to create a new alternate splice acceptor site; however, direct evidence is unavailable. In addition, the in silico prediction for this alteration is inconclusive. Since supporting evidence is limited at this time, the clinical significance of this alteration remains unclear.